The following is an entry in ClinVar:

ClinVar aggregate classification (germline): Uncertain significance (1 of 4 stars; one submission).

Conditions:
SH2B1-related disorder. Also called: SH2B1-related condition.

Submission:

PreventionGenetics, part of Exact Sciences
Classification: Uncertain significance for SH2B1-related condition. Last evaluated: 2025-06-16. Review status: criteria provided, single submitter. Criteria: ACMG Guidelines, 2015. Collection method: clinical testing. Allele origin: germline.
Comment: The SH2B1 c.1746C>G variant is predicted to result in the amino acid substitution p.Asn582Lys. To our knowledge, this variant has not been reported in the literature or in a large population database, indicating this variant is rare. At this time, the clinical significance of this variant is uncertain due to the absence of conclusive functional and genetic evidence.

NM_001387430.1(SH2B1):c.1746C>G (p.Asn582Lys)

Gene: SH2B1 (SH2B adaptor protein 1; plus strand). Cytogenetic location: 16p11.2.
Variant type: single nucleotide variant.
Coding change: c.1746C>G on transcript NM_001387430.1 (MANE Select); coding-DNA position 1746, C replaced by G.
Protein change: p.Asn582Lys; replaces asparagine 582 with lysine.
Molecular consequence: missense variant.
Genome position (GRCh38, 1-based): chr16:28,872,554, C>G. VCF-style: chr16-28872554-C-G. GRCh37 (hg19) VCF-style: chr16-28883875-C-G.
Other names: c.1746C>G, p.Asn582Lys (NM_001145795.2, NM_001145796.2, NM_001145797.2 and 4 more transcripts); c.738C>G, p.Asn246Lys (NM_001308294.2); short protein forms N246K, N582K.
Identifiers: ClinVar variation 4985546 (VCV004985546.1).
Genomic context (GRCh38, chr16:28,872,554, plus strand): 5'-GCCTTTGCCTCCTACCTCACCTCCCCCATCCCGCCCTCAGCACCTGCGTTTGTCGCTGAA[C>G]GAGGAGGGTCAGTGCCGGGTCCAGCACCTGTGGTTCCAGTCCATTTTCGATATGCTCGAG-3'
Protein context (NP_001374359.1, residues 572-592): GKAKHLRLSL[Asn582Lys]EEGQCRVQHL